The following is an entry in ClinVar:

NM_201631.4(TGM5):c.1037G>A (p.Arg346Gln)

Gene: TGM5 (transglutaminase 5; minus strand). Cytogenetic location: 15q15.2.
Variant type: single nucleotide variant.
Coding change: c.1037G>A on transcript NM_201631.4 (MANE Select); coding-DNA position 1037, G replaced by A.
Protein change: p.Arg346Gln; replaces arginine 346 with glutamine.
Molecular consequence: missense variant.
Genome position (GRCh38, 1-based): chr15:43,239,231, C>T on the plus strand (G>A on the coding strand, the complement: TGM5 is on the minus strand). VCF-style: chr15-43239231-C-T. GRCh37 (hg19) VCF-style: chr15-43531429-C-T.
Other names: c.1037G>A (NM_201631.3); c.791G>A, p.Arg264Gln (NM_004245.4); short protein forms R264Q, R346Q.
Identifiers: ClinVar variation 3577130 (VCV003577130.2).

ClinVar aggregate classification (germline): Conflicting classifications of pathogenicity. Review status: criteria provided, conflicting classifications (1 of 4 stars). 2 submissions from 2 submitters: Likely pathogenic (1); Uncertain significance (1). Last evaluated 2025-11-26.

Conditions:
Acral peeling skin syndrome. Also called: Peeling skin syndrome 2. Identifiers: Orphanet 263534, MedGen C1853354, MONDO:0012345, OMIM 609796.
TGM5-related disorder. Also called: TGM5-related condition.

gnomAD v4.1: 20 of 1,614,142 alleles (0.0012%); highest among the groups gnomAD compares: African/African-American, 0.004%; no homozygotes.

Submissions (2):

PreventionGenetics, part of Exact Sciences
Classification: Uncertain significance for TGM5-related condition. Last evaluated: 2025-11-26. Review status: criteria provided, single submitter. Criteria: ACMG Guidelines, 2015. Collection method: clinical testing. Allele origin: germline.
Comment: The TGM5 c.1037G>A variant is predicted to result in the amino acid substitution p.Arg346Gln. To our knowledge, this variant has not been reported in the literature. This variant is reported in 0.0080% of alleles in individuals of African descent in gnomAD. Alternative missense substitution(s) at the same amino acid position (p.Arg346Gly and p.Arg346Trp) have been reported in individuals with autosomal recessive peeling skin syndrome (Savostyanov et al. 2022. PubMed ID: 36430820; Szczecinska et al. 2014. PubMed ID: 24628291). Although we suspect that this variant may be pathogenic, at this time, the clinical significance of this variant is uncertain due to the absence of conclusive functional and genetic evidence.

Fulgent Genetics
Classification: Likely pathogenic for Acral peeling skin syndrome. Last evaluated: 2024-04-02. Review status: criteria provided, single submitter. Criteria: ACMG Guidelines, 2015. Collection method: clinical testing. Allele origin: germline.